The following is an entry in ClinVar:

NM_000719.7(CACNA1C):c.3558+9C>T

Gene: CACNA1C (calcium voltage-gated channel subunit alpha1 C; plus strand). Cytogenetic location: 12p13.33.
Variant type: single nucleotide variant.
Coding change: c.3558+9C>T on transcript NM_000719.7 (MANE Select); 9 bases into the intron after coding-DNA position 3558, C replaced by T.
Molecular consequence: intron variant.
Genome position (GRCh38, 1-based): chr12:2,608,721, C>T. VCF-style: chr12-2608721-C-T. GRCh37 (hg19) VCF-style: chr12-2717887-C-T.
Other names: c.3558+9C>T (NM_001167624.3, NM_001167623.2, NM_001167625.2 and 16 more transcripts); c.3618+9C>T (NM_199460.4, NM_001129827.2, NM_001129832.2); c.3549+9C>T (NM_001129844.2).
Identifiers: ClinVar variation 1154304 (VCV001154304.10), dbSNP rs866480818, ClinGen allele CA231605655.

ClinVar aggregate classification (germline): Likely benign. Review status: criteria provided, multiple submitters, no conflicts (2 of 4 stars). 2 submissions from 2 submitters: Likely benign (2). Last evaluated 2026-09-02.

Conditions:
CACNA1C-related disorder. Also called: CACNA1C-related condition; CACNA1C-related disorders. Identifiers: MedGen CN381092, MONDO:0700321.
Long QT syndrome (LQTS). Identifiers: MedGen C0023976, MeSH D008133, MONDO:0002442. Disease mechanism: loss of function. Inheritance: Various modes of inheritance.

Allele frequency attached by ClinVar (database versions not stated): gnomAD exomes below 0.00001 and 0.00001; gnomAD 0.00003; TOPMed 0.00003.
gnomAD v4.1: 20 of 1,613,456 alleles (0.0012%); highest among the groups gnomAD compares: Non-Finnish European, 0.0015%; no homozygotes.

Submissions (2):

PreventionGenetics, part of Exact Sciences
Classification: Likely benign for CACNA1C-related condition. Last evaluated: 2026-09-02. Review status: criteria provided, single submitter. Criteria: ACMG Guidelines, 2015. Collection method: clinical testing. Allele origin: germline.
Comment: This variant is classified as likely benign based on ACMG/AMP sequence variant interpretation guidelines (Richards et al. 2015 PMID: 25741868, with internal and published modifications).

Labcorp Genetics (formerly Invitae), Labcorp
Classification: Likely benign for Long QT syndrome. Last evaluated: 2026-01-22. Review status: criteria provided, single submitter. Criteria: Invitae Variant Classification Sherloc (09022015). Collection method: clinical testing. Allele origin: germline.